The following is an entry in ClinVar:

NM_000138.5(FBN1):c.1469-8C>T

Gene: FBN1 (fibrillin 1; minus strand). Cytogenetic location: 15q21.1.
Variant type: single nucleotide variant.
Coding change: c.1469-8C>T on transcript NM_000138.5 (MANE Select); 8 bases into the intron before coding-DNA position 1469, C replaced by T.
Molecular consequence: intron variant.
Genome position (GRCh38, 1-based): chr15:48,513,676, G>A on the plus strand (C>T on the coding strand, the complement: FBN1 is on the minus strand). VCF-style: chr15-48513676-G-A. GRCh37 (hg19) VCF-style: chr15-48805873-G-A.
Other names: c.1469-8C>T (NM_001406716.1).
Identifiers: ClinVar variation 3386851 (VCV003386851.1).

ClinVar aggregate classification (germline): Likely benign (1 of 4 stars; one submission).

Conditions:
Marfan syndrome (MFS). Also called: MARFAN SYNDROME, TYPE I; Marfan syndrome type 1; Marfan's syndrome; FBN1-Related Marfan Syndrome; Marfan syndrome, classic. Identifiers: Orphanet 284963, Orphanet 558, MedGen C0024796, MONDO:0007947, OMIM 154700.

Submission:

All of Us Research Program, National Institutes of Health
Classification: Likely benign for Marfan syndrome. Last evaluated: 2024-03-14. Review status: criteria provided, single submitter. Criteria: ACMG Guidelines, 2015. Collection method: clinical testing. Allele origin: germline. Inheritance: Autosomal dominant inheritance. Observed: 1 variant allele, 1 heterozygote.
Comment: This study involves interpretation of variants in research participants for the purpose of population health screening. Participant phenotype was not available at the time of variant classification. Additional details can be found in publication PMID: 35346344, PMCID: PMC8962531